The following is an entry in ClinVar:

ClinVar aggregate classification (germline): Conflicting classifications of pathogenicity. Review status: criteria provided, conflicting classifications (1 of 4 stars). 6 submissions from 6 submitters: Uncertain significance (4); Likely benign (2). Last evaluated 2025-12-03.

Conditions:
Ehlers-Danlos syndrome, classic type, 2 (EDSCL2). Also called: Ehlers-Danlos Syndrome, Classic Type, COL5A2-Related; Ehlers-Danlos syndrome type 2 (formerly); Ehlers-Danlos syndrome, type 2. Identifiers: Orphanet 287, Orphanet 90318, MedGen C0268336, MONDO:0019568, OMIM 130010.
Ehlers-Danlos syndrome, classic type (cEDS). Identifiers: Orphanet 287, MedGen C4225429, MONDO:0007522.
Ehlers-Danlos syndrome, classic type, 1 (EDSCL1). Also called: Ehlers-Danlos Syndrome, Classic Type, COL5A1-Related; EHLERS-DANLOS SYNDROME, GRAVIS TYPE; EHLERS-DANLOS SYNDROME, SEVERE CLASSIC TYPE; Ehlers-Danlos syndrome, type 1; EDS I. Identifiers: MedGen C0268335, MONDO:0019567, OMIM 130000.
Familial thoracic aortic aneurysm and aortic dissection (TAAD). Also called: Thoracic aortic aneurysms and dissections. Identifiers: Orphanet 91387, MedGen C4707243, MONDO:0019625.

Allele frequency attached by ClinVar (database versions not stated): TOPMed 0.00002; gnomAD exomes 0.00002; ExAC 0.00003.
gnomAD v4.1: 82 of 1,610,208 alleles (0.0051%); highest among the groups gnomAD compares: Non-Finnish European, 0.0066%; no homozygotes.

Submissions (6):

Labcorp Genetics (formerly Invitae), Labcorp
Classification: Likely benign for Ehlers-Danlos syndrome, classic type, 1. Last evaluated: 2025-12-03. Review status: criteria provided, single submitter. Criteria: Invitae Variant Classification Sherloc (09022015). Collection method: clinical testing. Allele origin: germline.

Women's Health and Genetics/Laboratory Corporation of America, LabCorp
Classification: Likely benign. Last evaluated: 2025-09-24. Review status: criteria provided, single submitter. Criteria: LabCorp Variant Classification Summary - May 2015. Collection method: clinical testing. Allele origin: germline.
Comment: Variant summary: COL5A2 c.1621G>T (p.Ala541Ser) results in a conservative amino acid change in the encoded protein sequence. Algorithms developed to predict the effect of missense changes on protein structure and function are either unavailable or do not agree on the potential impact of this missense change. The observed variant frequency within Non-Finnish European control individuals in the gnomAD database exceeds the estimated maximal expected allele frequency for disease-causing variants in COL5A2. To our knowledge, no occurrence of c.1621G>T in individuals affected with COL5A2-related conditions and no experimental evidence demonstrating its impact on protein function have been reported. ClinVar contains an entry for this variant (Variation ID: 213098). Based on the evidence outlined above, the variant was classified as likely benign.

Fulgent Genetics
Classification: Uncertain significance for Ehlers-Danlos syndrome, classic type, 2. Last evaluated: 2024-02-13. Review status: criteria provided, single submitter. Criteria: ACMG Guidelines, 2015. Collection method: clinical testing. Allele origin: germline.

ARUP Laboratories, Molecular Genetics and Genomics, ARUP Laboratories
Classification: Uncertain significance for Ehlers-Danlos syndrome, classic type, 2. Last evaluated: 2023-02-22. Review status: criteria provided, single submitter. Criteria: ARUP Molecular Germline Variant Investigation Process 2024. Collection method: clinical testing. Allele origin: germline.
Comment: The COL5A2 c.1621G>T; p.Ala541Ser variant (rs768348357), to our knowledge, is not reported in the medical literature but is reported in ClinVar (Variation ID: 213098). This variant is found in the non-Finnish European population with an allele frequency of 0.0053% (6/113,524 alleles) in the Genome Aggregation Database. Computational analyses are uncertain whether this variant is neutral or deleterious (REVEL: 0.339). Due to limited information, the clinical significance of this variant is uncertain at this time.

GeneDx
Classification: Uncertain significance. Last evaluated: 2022-01-11. Review status: criteria provided, single submitter. Criteria: GeneDx Variant Classification Process June 2021. Collection method: clinical testing. Allele origin: germline. Affected: yes.
Comment: Has not been previously published as pathogenic or benign to our knowledge; In silico analysis supports that this missense variant does not alter protein structure/function; Reported in ClinVar as a variant of uncertain significance (ClinVar Variant ID# 213098; ClinVar)

Ambry Genetics
Classification: Uncertain significance for Familial thoracic aortic aneurysm and aortic dissection. Last evaluated: 2016-03-30. Review status: criteria provided, single submitter. Criteria: Ambry Variant Classification Scheme 2023. Collection method: clinical testing. Allele origin: germline.
Comment: The p.A541S variant (also known as c.1621G>T), located in coding exon 25 of the COL5A2 gene, results from a G to T substitution at nucleotide position 1621. The alanine at codon 541 is replaced by serine, an amino acid with similar properties. This variant was previously reported in the SNPDatabase as rs768348357. Based on data from ExAC, the T allele was reported in 3 of 119932 (0.002%) total alleles (Exome Aggregation Consortium (ExAC), Cambridge, MA (URL) [Accessed March 30, 2016]). This variant was not reported in population based cohorts in the following databases: NHLBI Exome Sequencing Project (ESP) and 1000 Genomes Project. In the ESP, this variant was not observed in 6503 samples (13006 alleles) with coverage at this position. This amino acid position is highly conserved in available vertebrate species. In addition, the in silico prediction for this alteration is inconclusive. Since supporting evidence is limited at this time, the clinical significance of this alteration remains unclear.

NM_000393.5(COL5A2):c.1621G>T (p.Ala541Ser)

Gene: COL5A2 (collagen type V alpha 2 chain; minus strand). Cytogenetic location: 2q32.2.
Variant type: single nucleotide variant.
Coding change: c.1621G>T on transcript NM_000393.5 (MANE Select); coding-DNA position 1621, G replaced by T.
Protein change: p.Ala541Ser; replaces alanine 541 with serine.
Molecular consequence: missense variant.
Genome position (GRCh38, 1-based): chr2:189,064,652, C>A on the plus strand (G>T on the coding strand, the complement: COL5A2 is on the minus strand). VCF-style: chr2-189064652-C-A. GRCh37 (hg19) VCF-style: chr2-189929378-C-A.
Other names: p.A541S:GCT>TCT; short protein forms A541S.
Identifiers: ClinVar variation 213098 (VCV000213098.22), dbSNP rs768348357, ClinGen allele CA320705.